The following is an entry in ClinVar:

ClinVar aggregate classification (germline): Uncertain significance. Review status: criteria provided, multiple submitters, no conflicts (2 of 4 stars). 2 submissions from 2 submitters: Uncertain significance (2). Last evaluated 2023-12-21.

Conditions:
Inborn genetic diseases. Identifiers: MedGen C0950123, MeSH D030342.

Submissions (2):

Ambry Genetics
Classification: Uncertain significance for Inborn genetic diseases. Last evaluated: 2023-12-21. Review status: criteria provided, single submitter. Criteria: Ambry Variant Classification Scheme 2023. Collection method: clinical testing. Allele origin: germline.

Labcorp Genetics (formerly Invitae), Labcorp
Classification: Uncertain significance. Last evaluated: 2022-05-17. Review status: criteria provided, single submitter. Criteria: Invitae Variant Classification Sherloc (09022015). Collection method: clinical testing. Allele origin: germline.
Comment: In summary, the available evidence is currently insufficient to determine the role of this variant in disease. Therefore, it has been classified as a Variant of Uncertain Significance. Algorithms developed to predict the effect of missense changes on protein structure and function (SIFT, PolyPhen-2, Align-GVGD) all suggest that this variant is likely to be tolerated. This variant has not been reported in the literature in individuals affected with NCSTN-related conditions. This variant is present in population databases (no rsID available, gnomAD 0.01%). This sequence change replaces serine, which is neutral and polar, with threonine, which is neutral and polar, at codon 67 of the NCSTN protein (p.Ser67Thr).

NM_015331.3(NCSTN):c.200G>C (p.Ser67Thr)

Gene: NCSTN (nicastrin; plus strand). Cytogenetic location: 1q23.2.
Variant type: single nucleotide variant.
Coding change: c.200G>C on transcript NM_015331.3 (MANE Select); coding-DNA position 200, G replaced by C.
Protein change: p.Ser67Thr; replaces serine 67 with threonine.
Molecular consequence: missense variant.
Genome position (GRCh38, 1-based): chr1:160,349,008, G>C. VCF-style: chr1-160349008-G-C. GRCh37 (hg19) VCF-style: chr1-160318798-G-C.
Other names: c.140G>C, p.Ser47Thr (NM_001290184.2); c.200G>C, p.Ser67Thr (NM_001290186.2, NM_001349729.2); c.200G>C (NM_015331.2); short protein forms S67T, S47T.
Identifiers: ClinVar variation 1953995 (VCV001953995.6), dbSNP rs149288103, ClinGen allele CA343276452.